The following is an entry in ClinVar:

NM_052947.4(ALPK2):c.4217T>A (p.Ile1406Asn)

Genes: ALPK2 (alpha kinase 2; minus strand), LOC126862764 (BRD4-independent group 4 enhancer GRCh37_chr18:56202574-56203773; plus strand). Cytogenetic location: 18q21.31.
Variant type: single nucleotide variant.
Coding change: c.4217T>A on transcript NM_052947.4 (MANE Select); coding-DNA position 4217, T replaced by A.
Protein change: p.Ile1406Asn; replaces isoleucine 1406 with asparagine.
Molecular consequence: missense variant.
Genome position (GRCh38, 1-based): chr18:58,535,970, A>T on the plus strand (T>A on the coding strand, the complement: ALPK2 is on the minus strand). VCF-style: chr18-58535970-A-T. GRCh37 (hg19) VCF-style: chr18-56203202-A-T.
Other names: short protein forms I1406N.
Identifiers: ClinVar variation 1738787 (VCV001738787.3), dbSNP rs1433911615, ClinGen allele CA402563649.
Genomic context (GRCh38, chr18:58,535,970, plus strand): 5'-GTGGTTTCAGAGGGCTCTGGTTTTCCAGCCCTGGTGTACTCTATCACACTTATCTCATCA[A>T]TGGGATCTACAGAGGACTCTAGGATTTTAGGGCAGGTCAGAAACTTTTTAAAGAAGGCAG-3'
Protein context (NP_443179.3, residues 1396-1416): PKILESSVDP[Ile1406Asn]DEISVIEYTR

ClinVar aggregate classification (germline): Uncertain significance (1 of 4 stars; one submission).

gnomAD v4.1: 2 of 1,614,160 alleles (0.00012%); highest among the groups gnomAD compares: Admixed American, 0.0017%; no homozygotes.

Submission:

Ambry Genetics
Classification: Uncertain significance. Last evaluated: 2024-09-26. Review status: criteria provided, single submitter. Criteria: Ambry Variant Classification Scheme 2023. Collection method: clinical testing. Allele origin: germline.
Comment: The p.I1406N variant (also known as c.4217T>A), located in coding exon 4 of the ALPK2 gene, results from a T to A substitution at nucleotide position 4217. The isoleucine at codon 1406 is replaced by asparagine, an amino acid with dissimilar properties. This amino acid position is conserved. In addition, this alteration is predicted to be tolerated by in silico analysis. Since supporting evidence is limited at this time, the clinical significance of this alteration remains unclear.